The following is an entry in ClinVar:

NM_007126.5(VCP):c.551G>A (p.Cys184Tyr)

Gene: VCP (valosin containing protein; minus strand). Cytogenetic location: 9p13.3.
Variant type: single nucleotide variant.
Coding change: c.551G>A on transcript NM_007126.5 (MANE Select); coding-DNA position 551, G replaced by A.
Protein change: p.Cys184Tyr; replaces cysteine 184 with tyrosine.
Molecular consequence: missense variant.
Genome position (GRCh38, 1-based): chr9:35,065,276, C>T on the plus strand (G>A on the coding strand, the complement: VCP is on the minus strand). VCF-style: chr9-35065276-C-T. GRCh37 (hg19) VCF-style: chr9-35065273-C-T.
Other names: c.416G>A, p.Cys139Tyr (NM_001354927.2, NM_001354928.2); short protein forms C139Y, C184Y.
Identifiers: ClinVar variation 3375664 (VCV003375664.2).
Genomic context (GRCh38, chr9:35,065,276, plus strand): 5'-TAAAATCGGATACTGGAATCAGGGAGAAAACTCACCTCTCGTTTGATAGGCTCCCCTTCG[C>T]AGTGGATCACTGTGTCTGGAGCAACAATGCAATAAGGGCTAGGATCTGTTTCCACCACTT-3'
Protein context (NP_009057.1, residues 174-194): CIVAPDTVIH[Cys184Tyr]EGEPIKREDE

ClinVar aggregate classification (germline): Uncertain significance (1 of 4 stars; one submission).

Submission:

GeneDx
Classification: Uncertain significance. Last evaluated: 2024-11-19. Review status: criteria provided, single submitter. Criteria: GeneDx Variant Classification Process June 2021. Collection method: clinical testing. Allele origin: germline.
Comment: Not observed at significant frequency in large population cohorts (gnomAD); In silico analysis supports that this missense variant has a deleterious effect on protein structure/function; Has not been previously published as pathogenic or benign to our knowledge